The following is an entry in ClinVar:

ClinVar aggregate classification (germline): Uncertain significance (1 of 4 stars; one submission).

Conditions:
Inborn genetic diseases. Identifiers: MedGen C0950123, MeSH D030342.

Submission:

Ambry Genetics
Classification: Uncertain significance for Inborn genetic diseases. Last evaluated: 2025-08-15. Review status: criteria provided, single submitter. Criteria: Ambry Variant Classification Scheme 2023. Collection method: clinical testing. Allele origin: germline.
Comment: The p.G177S variant (also known as c.529G>A), located in coding exon 1 of the SH2B3 gene, results from a G to A substitution at nucleotide position 529. The glycine at codon 177 is replaced by serine, an amino acid with similar properties. This amino acid position is conserved. In addition, this alteration is predicted to be tolerated by in silico analysis. Based on the available evidence, the clinical significance of this variant remains unclear.

NM_005475.3(SH2B3):c.529G>A (p.Gly177Ser)

Gene: SH2B3 (SH2B adaptor protein 3; plus strand). Cytogenetic location: 12q24.12.
Variant type: single nucleotide variant.
Coding change: c.529G>A on transcript NM_005475.3 (MANE Select); coding-DNA position 529, G replaced by A.
Protein change: p.Gly177Ser; replaces glycine 177 with serine.
Molecular consequence: missense variant.
Genome position (GRCh38, 1-based): chr12:111,418,674, G>A. VCF-style: chr12-111418674-G-A. GRCh37 (hg19) VCF-style: chr12-111856478-G-A.
Other names: short protein forms G177S.
Identifiers: ClinVar variation 4163992 (VCV004163992.1).